The following is an entry in ClinVar:

NM_017617.5(NOTCH1):c.4719G>A (p.Thr1573=)

Gene: NOTCH1 (notch receptor 1; minus strand). Cytogenetic location: 9q34.3.
Variant type: single nucleotide variant.
Coding change: c.4719G>A on transcript NM_017617.5 (MANE Select); coding-DNA position 4719, G replaced by A.
Protein change: p.Thr1573=; no amino-acid change (threonine 1573 retained).
Molecular consequence: synonymous variant.
Genome position (GRCh38, 1-based): chr9:136,504,972, C>T on the plus strand (G>A on the coding strand, the complement: NOTCH1 is on the minus strand). VCF-style: chr9-136504972-C-T. GRCh37 (hg19) VCF-style: chr9-139399424-C-T.
Other names: c.4719G>A, p.Thr1573= (LRG_1122t1).
Identifiers: ClinVar variation 547714 (VCV000547714.8), dbSNP rs775105774, ClinGen allele CA5340527.

ClinVar aggregate classification (germline): Likely benign. Review status: criteria provided, multiple submitters, no conflicts (2 of 4 stars). 6 submissions from 5 submitters: Likely benign (6). Last evaluated 2025-06-02.

Conditions:
Adams-Oliver syndrome 5 (AOS5). Identifiers: Orphanet 974, MedGen C4014970, MONDO:0014459, OMIM 616028.
Familial thoracic aortic aneurysm and aortic dissection (TAAD). Also called: Thoracic aortic aneurysms and dissections. Identifiers: Orphanet 91387, MedGen C4707243, MONDO:0019625.
Aortic valve disease 1 (AOVD1). Identifiers: MedGen C3887892, MONDO:0024523, OMIM 109730.
Connective tissue disorder. Also called: Connective tissue disease. Identifiers: MedGen C0009782, MONDO:0003900.

Allele frequency attached by ClinVar (database versions not stated): gnomAD exomes below 0.00001; gnomAD 0.00001; ExAC 0.00002; TOPMed 0.00002.
gnomAD v4.1: 8 of 1,587,218 alleles (0.0005%); highest among the groups gnomAD compares: African/African-American, 0.0027%; no homozygotes.

Submissions (6):

Labcorp Genetics (formerly Invitae), Labcorp
Classification: Likely benign for Adams-Oliver syndrome 5. Last evaluated: 2025-06-02. Review status: criteria provided, single submitter. Criteria: Invitae Variant Classification Sherloc (09022015). Collection method: clinical testing. Allele origin: germline.

Ambry Genetics
Classification: Likely benign for Familial thoracic aortic aneurysm and aortic dissection. Last evaluated: 2024-09-20. Review status: criteria provided, single submitter. Criteria: Ambry Variant Classification Scheme 2023. Collection method: clinical testing. Allele origin: germline.

Genome-Nilou Lab
Classification: Likely benign for Adams-Oliver syndrome 5. Last evaluated: 2022-03-15. Review status: criteria provided, single submitter. Criteria: ACMG Guidelines, 2015. Collection method: clinical testing. Allele origin: germline. Affected: no.

Genome-Nilou Lab
Classification: Likely benign for Aortic valve disease 1. Last evaluated: 2022-03-15. Review status: criteria provided, single submitter. Criteria: ACMG Guidelines, 2015. Collection method: clinical testing. Allele origin: germline. Affected: no.

GeneDx
Classification: Likely benign. Last evaluated: 2018-04-18. Review status: criteria provided, single submitter. Criteria: GeneDx Variant Classification (06012015). Collection method: clinical testing. Allele origin: germline. Affected: yes.
Comment: This variant is considered likely benign or benign based on one or more of the following criteria: it is a conservative change, it occurs at a poorly conserved position in the protein, it is predicted to be benign by multiple in silico algorithms, and/or has population frequency not consistent with disease.

Center for Human Genetics, Inc
Classification: Likely benign for Connective tissue disorder. Last evaluated: 2016-11-01. Review status: criteria provided, single submitter. Criteria: ACMG Guidelines, 2015. Collection method: clinical testing. Allele origin: germline. Affected: yes.